The following is an entry in ClinVar:

NM_007078.3(LDB3):c.867C>T (p.Asp289=)

Gene: LDB3 (LIM domain binding 3; plus strand). Cytogenetic location: 10q23.2.
Variant type: single nucleotide variant.
Coding change: c.867C>T on transcript NM_007078.3 (MANE Select); coding-DNA position 867, C replaced by T.
Protein change: p.Asp289=; no amino-acid change (aspartic acid 289 retained).
Molecular consequence: synonymous variant.
Genome position (GRCh38, 1-based): chr10:86,692,542, C>T. VCF-style: chr10-86692542-C-T. GRCh37 (hg19) VCF-style: chr10-88452299-C-T.
Other names: c.726C>T, p.Asp242= (NM_001080116.1, NM_001080114.2, NM_001368066.1 and 2 more transcripts); c.867C>T, p.Asp289= (NM_001080115.2, NM_001368063.1, NM_001368064.1 and 1 more transcripts); c.1071C>T, p.Asp357= (NM_001171610.2, NM_001171611.2).
Identifiers: ClinVar variation 45557 (VCV000045557.21), dbSNP rs397517227, ClinGen allele CA136641.

ClinVar aggregate classification (germline): Benign/Likely benign. Review status: criteria provided, multiple submitters, no conflicts (2 of 4 stars). 6 submissions from 6 submitters: Benign (1); Likely benign (3). 2 of the submissions do not count toward it. Last evaluated 2026-01-25.

Conditions:
Cardiovascular phenotype. Identifiers: MedGen CN230736.
Myofibrillar myopathy 4. Also called: Zaspopathy (type). Identifiers: Orphanet 98912, MedGen C4721886, MONDO:0012277, OMIM 609452.

Allele frequency attached by ClinVar (database versions not stated): gnomAD 0.00004; TOPMed 0.00005; ExAC 0.00007; gnomAD exomes 0.00008.
gnomAD v4.1: 31 of 1,614,182 alleles (0.0019%); highest among the groups gnomAD compares: East Asian, 0.062%; no homozygotes.

Submissions (6):

Labcorp Genetics (formerly Invitae), Labcorp
Classification: Benign for Myofibrillar myopathy 4. Last evaluated: 2026-01-25. Review status: criteria provided, single submitter. Criteria: Invitae Variant Classification Sherloc (09022015). Collection method: clinical testing. Allele origin: germline.

Women's Health and Genetics/Laboratory Corporation of America, LabCorp
Classification: Likely benign. Last evaluated: 2025-01-27. Review status: criteria provided, single submitter. Criteria: LabCorp Variant Classification Summary - May 2015. Collection method: clinical testing. Allele origin: germline.

Ambry Genetics
Classification: Likely benign for Cardiovascular phenotype. Last evaluated: 2022-08-17. Review status: criteria provided, single submitter. Criteria: Ambry Variant Classification Scheme 2023. Collection method: clinical testing. Allele origin: germline.

Laboratory for Molecular Medicine, Mass General Brigham Personalized Medicine
Classification: Likely benign. Last evaluated: 2012-10-17. Review status: criteria provided, single submitter. Criteria: LMM Criteria. Collection method: clinical testing. Allele origin: germline. Observed: 1 variant allele.
Comment: Asp289Asp in exon 8 of LDB3: This variant is not expected to have clinical signi ficance because it does not alter an amino acid residue and is not located withi n the splice consensus sequence. Asp289Asp in exon 8 of LDB3 (allele frequency = n/a)

Clinical Genetics DNA and cytogenetics Diagnostics Lab, Erasmus MC, Erasmus Medical Center
Classification: Likely benign. Review status: no assertion criteria provided. Collection method: clinical testing. Allele origin: germline. Affected: yes. Study: VKGL Data-share Consensus. Not counted in ClinVar's aggregate classification.

Genome Diagnostics Laboratory, University Medical Center Utrecht
Classification: Likely benign. Review status: no assertion criteria provided. Collection method: clinical testing. Allele origin: germline. Affected: yes. Study: VKGL Data-share Consensus. Not counted in ClinVar's aggregate classification.